The following is an entry in ClinVar:

ClinVar aggregate classification (germline): Conflicting classifications of pathogenicity. Review status: criteria provided, conflicting classifications (1 of 4 stars). 2 submissions from 2 submitters: Uncertain significance (1); Likely benign (1). Last evaluated 2025-02-05.

Conditions:
Myofibrillar myopathy 6. Identifiers: Orphanet 199340, MedGen C2751831, MONDO:0013061, OMIM 612954.
Dilated cardiomyopathy 1HH (CMD1HH). Identifiers: Orphanet 154, MedGen C3151293, MONDO:0013479, OMIM 613881.
Cardiovascular phenotype. Identifiers: MedGen CN230736.

Allele frequency attached by ClinVar (database versions not stated): gnomAD exomes below 0.00001; TOPMed below 0.00001; gnomAD 0.00001.
gnomAD v4.1: 3 of 1,614,050 alleles (0.00019%); highest among the groups gnomAD compares: African/African-American, 0.0027%; no homozygotes.

Submissions (2):

Ambry Genetics
Classification: Uncertain significance for Cardiovascular phenotype. Last evaluated: 2025-02-05. Review status: criteria provided, single submitter. Criteria: Ambry Variant Classification Scheme 2023. Collection method: clinical testing. Allele origin: germline.
Comment: The p.E404G variant (also known as c.1211A>G), located in coding exon 4 of the BAG3 gene, results from an A to G substitution at nucleotide position 1211. The glutamic acid at codon 404 is replaced by glycine, an amino acid with similar properties. This amino acid position is well conserved in available vertebrate species. In addition, the in silico prediction for this alteration is inconclusive. Based on the available evidence, the clinical significance of this variant remains unclear.

Labcorp Genetics (formerly Invitae), Labcorp
Classification: Likely benign for Dilated cardiomyopathy 1HH; Myofibrillar myopathy 6. Last evaluated: 2023-03-14. Review status: criteria provided, single submitter. Criteria: Invitae Variant Classification Sherloc (09022015). Collection method: clinical testing. Allele origin: germline.

NM_004281.4(BAG3):c.1211A>G (p.Glu404Gly)

Gene: BAG3 (BAG cochaperone 3; plus strand). Cytogenetic location: 10q26.11.
Variant type: single nucleotide variant.
Coding change: c.1211A>G on transcript NM_004281.4 (MANE Select); coding-DNA position 1211, A replaced by G.
Protein change: p.Glu404Gly; replaces glutamic acid 404 with glycine.
Molecular consequence: missense variant.
Genome position (GRCh38, 1-based): chr10:119,676,765, A>G. VCF-style: chr10-119676765-A-G. GRCh37 (hg19) VCF-style: chr10-121436277-A-G.
Other names: short protein forms E404G.
Identifiers: ClinVar variation 2948085 (VCV002948085.4), dbSNP rs971356997, ClinGen allele CA214225012.